The following is an entry in ClinVar:

ClinVar aggregate classification (germline): Uncertain significance (1 of 4 stars; one submission).

Allele frequency attached by ClinVar (database versions not stated): TOPMed below 0.00001.

Submission:

Labcorp Genetics (formerly Invitae), Labcorp
Classification: Uncertain significance. Last evaluated: 2023-08-30. Review status: criteria provided, single submitter. Criteria: Invitae Variant Classification Sherloc (09022015). Collection method: clinical testing. Allele origin: germline.
Comment: This variant has not been reported in the literature in individuals affected with DNM1L-related conditions. This variant is not present in population databases (gnomAD no frequency). This sequence change replaces leucine, which is neutral and non-polar, with valine, which is neutral and non-polar, at codon 735 of the DNM1L protein (p.Leu735Val). ClinVar contains an entry for this variant (Variation ID: 2004502). In summary, the available evidence is currently insufficient to determine the role of this variant in disease. Therefore, it has been classified as a Variant of Uncertain Significance. An algorithm developed to predict the effect of missense changes on protein structure and function (PolyPhen-2) suggests that this variant is likely to be tolerated.

NM_012062.5(DNM1L):c.2203C>G (p.Leu735Val)

Gene: DNM1L (dynamin 1 like; plus strand). Cytogenetic location: 12p11.21.
Variant type: single nucleotide variant.
Coding change: c.2203C>G on transcript NM_012062.5 (MANE Select); coding-DNA position 2203, C replaced by G.
Protein change: p.Leu735Val; replaces leucine 735 with valine.
Molecular consequence: missense variant.
Genome position (GRCh38, 1-based): chr12:32,743,402, C>G. VCF-style: chr12-32743402-C-G. GRCh37 (hg19) VCF-style: chr12-32896336-C-G.
Other names: c.2170C>G, p.Leu724Val (NM_001278463.2); c.2242C>G, p.Leu748Val (NM_001278464.2); c.2209C>G, p.Leu737Val (NM_001278465.2); c.1594C>G, p.Leu532Val (NM_001278466.2); c.2131C>G, p.Leu711Val (NM_001330380.2); c.2092C>G, p.Leu698Val (NM_005690.5); c.2125C>G, p.Leu709Val (NM_012063.4); short protein forms L532V, L698V, L709V, L724V, L735V, L748V, L711V, L737V.
Identifiers: ClinVar variation 2004502 (VCV002004502.4), dbSNP rs1955454521, ClinGen allele CA384366508.